The following is an entry in ClinVar:

NM_001037.5(SCN1B):c.546C>T (p.Tyr182=)

Gene: SCN1B (sodium voltage-gated channel beta subunit 1; plus strand). Cytogenetic location: 19q13.11.
Variant type: single nucleotide variant.
Coding change: c.546C>T on transcript NM_001037.5 (MANE Select); coding-DNA position 546, C replaced by T.
Protein change: p.Tyr182=; no amino-acid change (tyrosine 182 retained).
Molecular consequence: synonymous variant.
Genome position (GRCh38, 1-based): chr19:35,039,214, C>T. VCF-style: chr19-35039214-C-T. GRCh37 (hg19) VCF-style: chr19-35530118-C-T.
Other names: c.447C>T, p.Tyr149= (NM_001321605.2).
Identifiers: ClinVar variation 387855 (VCV000387855.15), dbSNP rs775659068, ClinGen allele CA16608202.

ClinVar aggregate classification (germline): Likely benign. Review status: criteria provided, multiple submitters, no conflicts (2 of 4 stars). 7 submissions from 7 submitters: Likely benign (4). 3 of the submissions do not count toward it. Last evaluated 2025-09-27.

Conditions:
Cardiovascular phenotype. Identifiers: MedGen CN230736.
Brugada syndrome 5 (BRGDA5). Identifiers: Orphanet 130, Orphanet 871, MedGen C2748541, MONDO:0013015, OMIM 612838.

Allele frequency attached by ClinVar (database versions not stated): gnomAD exomes 0.00001 and 0.00002; TOPMed 0.00001; gnomAD 0.00002.
gnomAD v4.1: 34 of 1,614,004 alleles (0.0021%); highest among the groups gnomAD compares: Non-Finnish European, 0.0027%; no homozygotes.

Submissions (7):

Labcorp Genetics (formerly Invitae), Labcorp
Classification: Likely benign for Brugada syndrome 5. Last evaluated: 2025-09-27. Review status: criteria provided, single submitter. Criteria: Invitae Variant Classification Sherloc (09022015). Collection method: clinical testing. Allele origin: germline.

Blueprint Genetics
Classification: Likely benign. Last evaluated: 2024-10-03. Review status: criteria provided, single submitter. Criteria: ACMG Guidelines, 2015. Collection method: clinical testing. Allele origin: germline.

Ambry Genetics
Classification: Likely benign for Cardiovascular phenotype. Last evaluated: 2018-02-07. Review status: criteria provided, single submitter. Criteria: Ambry Variant Classification Scheme 2023. Collection method: clinical testing. Allele origin: germline.

GeneDx
Classification: Likely benign. Last evaluated: 2016-07-28. Review status: criteria provided, single submitter. Criteria: GeneDx Variant Classification (06012015). Collection method: clinical testing. Allele origin: germline. Affected: yes.
Comment: This variant is considered likely benign or benign based on one or more of the following criteria: it is a conservative change, it occurs at a poorly conserved position in the protein, it is predicted to be benign by multiple in silico algorithms, and/or has population frequency not consistent with disease.

Clinical Genetics, Academic Medical Center
Classification: Benign. Review status: no assertion criteria provided. Collection method: clinical testing. Allele origin: germline. Affected: yes. Study: VKGL Data-share Consensus. Not counted in ClinVar's aggregate classification.

Genome Diagnostics Laboratory, University Medical Center Utrecht
Classification: Likely benign. Review status: no assertion criteria provided. Collection method: clinical testing. Allele origin: germline. Affected: yes. Study: VKGL Data-share Consensus. Not counted in ClinVar's aggregate classification.

Joint Genome Diagnostic Labs from Nijmegen and Maastricht, Radboudumc and MUMC+
Classification: Benign. Review status: no assertion criteria provided. Collection method: clinical testing. Allele origin: germline. Affected: yes. Study: VKGL Data-share Consensus. Not counted in ClinVar's aggregate classification.